The following is an entry in ClinVar:

ClinVar aggregate classification (germline): Benign/Likely benign. Review status: criteria provided, multiple submitters, no conflicts (2 of 4 stars). 4 submissions from 3 submitters: Benign (3); Likely benign (1). Last evaluated 2025-12-25.

Conditions:
Primary open angle glaucoma (POAG). Also called: OPTN-related open angle glaucoma. Identifiers: MedGen C0339573, MONDO:0100553, OMIM 137760.
Amyotrophic lateral sclerosis type 12 (ALS12). Also called: AMYOTROPHIC LATERAL SCLEROSIS 12 WITH OR WITHOUT FRONTOTEMPORAL DEMENTIA. Identifiers: Orphanet 803, MedGen C3150692, MONDO:0013264, OMIM 613435.
Glaucoma 1, open angle, E. Identifiers: MedGen C1842026, MONDO:0007665.

Allele frequency attached by ClinVar (database versions not stated): ESP Exome Variant Server 0.00046; gnomAD 0.00053 and 0.00080; gnomAD exomes 0.00064 and 0.00132; TOPMed 0.00083; ExAC 0.00131; 1000 Genomes Project 0.00339; 1000 Genomes Project 30x 0.00406.
gnomAD v4.1: 1,090 of 1,611,822 alleles (0.068%); highest among the groups gnomAD compares: East Asian, 1.1%; 9 homozygotes.

Submissions (9):

Labcorp Genetics (formerly Invitae), Labcorp
Classification: Benign for Primary open angle glaucoma; Glaucoma 1, open angle, E; Amyotrophic lateral sclerosis type 12. Last evaluated: 2025-12-25. Review status: criteria provided, single submitter. Criteria: Invitae Variant Classification Sherloc (09022015). Collection method: clinical testing. Allele origin: germline.

Blueprint Genetics
Classification: Likely benign. Last evaluated: 2024-11-25. Review status: criteria provided, single submitter. Criteria: ACMG Guidelines, 2015. Collection method: clinical testing. Allele origin: germline.

Illumina Laboratory Services, Illumina
Classification: Benign for Primary open angle glaucoma. Last evaluated: 2018-01-13. Review status: criteria provided, single submitter. Criteria: ICSL Variant Classification Criteria 13 December 2019. Collection method: clinical testing. Allele origin: germline.
Comment: This variant was observed in the ICSL laboratory as part of a predisposition screen in an ostensibly healthy population. It had not been previously curated by ICSL or reported in the Human Gene Mutation Database (HGMD: prior to June 1st, 2018), and was therefore a candidate for classification through an automated scoring system. Utilizing variant allele frequency, disease prevalence and penetrance estimates, and inheritance mode, an automated score was calculated to assess if this variant is too frequent to cause the disease. Based on the score and internal cut-off values, a variant classified as benign is not then subjected to further curation. The score for this variant resulted in a classification of benign for this disease.

Illumina Laboratory Services, Illumina
Classification: Benign for Amyotrophic lateral sclerosis type 12. Last evaluated: 2018-01-13. Review status: criteria provided, single submitter. Criteria: ICSL Variant Classification Criteria 13 December 2019. Collection method: clinical testing. Allele origin: germline.
Comment: the same text as in the submission from Illumina Laboratory Services, Illumina above.

Dr. Peter K. Rogan Lab, Western University
No classification provided (evidence only). Condition: Familial cancer of breast. Review status: no classification provided. Collection method: in vitro. Allele origin: not applicable. Functional consequence: retained intron. Not counted in ClinVar's aggregate classification.

Dr. Peter K. Rogan Lab, Western University
No classification provided (evidence only). Condition: Acute myeloid leukemia. Review status: no classification provided. Collection method: in vitro. Allele origin: not applicable. Functional consequence: retained intron. Not counted in ClinVar's aggregate classification.

Dr. Peter K. Rogan Lab, Western University
No classification provided (evidence only). Condition: Thymoma. Review status: no classification provided. Collection method: in vitro. Allele origin: not applicable. Functional consequence: retained intron. Not counted in ClinVar's aggregate classification.

Dr. Peter K. Rogan Lab, Western University
No classification provided (evidence only). Condition: Gastric cancer. Review status: no classification provided. Collection method: in vitro. Allele origin: not applicable. Functional consequence: retained intron. Not counted in ClinVar's aggregate classification.

Dr. Peter K. Rogan Lab, Western University
No classification provided (evidence only). Condition: Gastric cancer. Review status: no classification provided. Collection method: in vitro. Allele origin: not applicable. Functional consequence: retained intron. Not counted in ClinVar's aggregate classification.

NM_001008212.2(OPTN):c.1612+10G>A

Gene: OPTN (optineurin; plus strand). Cytogenetic location: 10p13.
Variant type: single nucleotide variant.
Coding change: c.1612+10G>A on transcript NM_001008212.2 (MANE Select); 10 bases into the intron after coding-DNA position 1612, G replaced by A.
Molecular consequence: intron variant.
Genome position (GRCh38, 1-based): chr10:13,133,591, G>A. VCF-style: chr10-13133591-G-A. GRCh37 (hg19) VCF-style: chr10-13175591-G-A.
Other names: c.1612+10G>A (NM_001008211.1, NM_001008213.1, NM_021980.4).
Identifiers: ClinVar variation 299223 (VCV000299223.20), dbSNP rs191671333, ClinGen allele CA5411028.